The following is an entry in ClinVar:

ClinVar aggregate classification (germline): Likely pathogenic (1 of 4 stars; one submission).

Conditions:
Atypical hemolytic-uremic syndrome. Identifiers: Orphanet 2134, MedGen C2931788, MONDO:0016244.

gnomAD v4.1: 27 of 1,614,114 alleles (0.0017%); highest among the groups gnomAD compares: East Asian, 0.06%; no homozygotes.

Submission:

Genomenon, Inc
Classification: Likely pathogenic for Atypical hemolytic-uremic syndrome. Last evaluated: 2026-09-17. Review status: criteria provided, single submitter. Criteria: Genomenon Sequence Variant Interpretation Standards - Updated. Collection method: curation. Allele origin: germline. Affected: yes.
Comment: CFB p.Asn331Asp (c.991A>G) is a missense variant that changes the amino acid at codon 331 from Asparagine to Aspartic acid. This variant has been observed in at least one proband affected with atypical hemolytic-uremic syndrome (PMID:25951460;29695177). This variant is located in a mutational hotspot and/or important functional domain. It is absent or not present at a significant frequency in gnomAD. In silico models predict that this variant is not damaging. In conclusion, we classify CFB p.Asn331Asp (c.991A>G) as a likely pathogenic variant.

Literature cited by the submitters: PubMed 25951460; PubMed 29695177.

NM_001710.6(CFB):c.991A>G (p.Asn331Asp)

Gene: CFB (complement factor B; plus strand). Cytogenetic location: 6p21.33.
Variant type: single nucleotide variant.
Coding change: c.991A>G on transcript NM_001710.6 (MANE Select); coding-DNA position 991, A replaced by G.
Protein change: p.Asn331Asp; replaces asparagine 331 with aspartic acid.
Molecular consequence: missense variant.
Genome position (GRCh38, 1-based): chr6:31,948,467, A>G. VCF-style: chr6-31948467-A-G. GRCh37 (hg19) VCF-style: chr6-31916244-A-G.
Other names: short protein forms N331D.
Identifiers: ClinVar variation 4280400 (VCV004280400.2).